The following is an entry in ClinVar:

NM_000138.5(FBN1):c.1572G>A (p.Thr524=)

Gene: FBN1 (fibrillin 1; minus strand). Cytogenetic location: 15q21.1.
Variant type: single nucleotide variant.
Coding change: c.1572G>A on transcript NM_000138.5 (MANE Select); coding-DNA position 1572, G replaced by A.
Protein change: p.Thr524=; no amino-acid change (threonine 524 retained).
Molecular consequence: synonymous variant.
Genome position (GRCh38, 1-based): chr15:48,513,565, C>T on the plus strand (G>A on the coding strand, the complement: FBN1 is on the minus strand). VCF-style: chr15-48513565-C-T. GRCh37 (hg19) VCF-style: chr15-48805762-C-T.
Other names: c.1572G>A (NM_000138.4).
Identifiers: ClinVar variation 1102956 (VCV001102956.12), dbSNP rs1232119767, ClinGen allele CA490027920.

ClinVar aggregate classification (germline): Likely benign. Review status: criteria provided, multiple submitters, no conflicts (2 of 4 stars). 4 submissions from 4 submitters: Likely benign (3). 1 of the submissions does not count toward it. Last evaluated 2024-11-10.

Conditions:
Familial thoracic aortic aneurysm and aortic dissection (TAAD). Also called: Thoracic aortic aneurysms and dissections. Identifiers: Orphanet 91387, MedGen C4707243, MONDO:0019625.
Marfan syndrome (MFS). Also called: Marfan syndrome type 1; Marfan's syndrome; Marfan syndrome, classic; MARFAN SYNDROME, TYPE I; FBN1-Related Marfan Syndrome. Identifiers: Orphanet 284963, Orphanet 558, MedGen C0024796, MONDO:0007947, OMIM 154700.
FBN1-related disorder. Also called: FBN1-related disorders.

Allele frequency attached by ClinVar (database versions not stated): gnomAD exomes 0.00001.
gnomAD v4.1: 11 of 1,614,002 alleles (0.00068%); highest among the groups gnomAD compares: East Asian, 0.0089%; no homozygotes.

Submissions (4):

Ambry Genetics
Classification: Likely benign for Familial thoracic aortic aneurysm and aortic dissection. Last evaluated: 2024-11-10. Review status: criteria provided, single submitter. Criteria: Ambry Variant Classification Scheme 2023. Collection method: clinical testing. Allele origin: germline.

Color Diagnostics, LLC DBA Color Health
Classification: Likely benign for Familial thoracic aortic aneurysm and aortic dissection. Last evaluated: 2022-11-06. Review status: criteria provided, single submitter. Criteria: ACMG Guidelines, 2015. Collection method: clinical testing. Allele origin: germline.

Labcorp Genetics (formerly Invitae), Labcorp
Classification: Likely benign for Marfan syndrome; Familial thoracic aortic aneurysm and aortic dissection. Last evaluated: 2022-05-29. Review status: criteria provided, single submitter. Criteria: Invitae Variant Classification Sherloc (09022015). Collection method: clinical testing. Allele origin: germline.

PreventionGenetics, part of Exact Sciences
Classification: Likely benign for FBN1-related condition. Last evaluated: 2024-06-21. Review status: no assertion criteria provided. Collection method: clinical testing. Allele origin: germline. Not counted in ClinVar's aggregate classification.
Comment: This variant is classified as likely benign based on ACMG/AMP sequence variant interpretation guidelines (Richards et al. 2015 PMID: 25741868, with internal and published modifications).